The following is an entry in ClinVar:

ClinVar aggregate classification (germline): Likely benign. Review status: criteria provided, multiple submitters, no conflicts (2 of 4 stars). 3 submissions from 3 submitters: Likely benign (3). Last evaluated 2023-10-02.

Conditions:
RYR1-related disorder. Also called: RYR1-related condition; RYR1-related disorders. Identifiers: MedGen CN239331.
Malignant hyperthermia, susceptibility to, 1 (MHS1). Also called: RYR1-Related Malignant Hyperthermia Susceptibility; Anesthesia related hyperthermia; Malignant hyperpyrexia; Fulminating hyperpyrexia; Pharmacogenic myopathy; Malignant hyperthermia suceptibility 1. Identifiers: Orphanet 423, MedGen C2930980, MONDO:0007783, OMIM 145600.

Allele frequency attached by ClinVar (database versions not stated): gnomAD exomes 0.00002.
gnomAD v4.1: 15 of 1,611,322 alleles (0.00093%); highest among the groups gnomAD compares: Admixed American, 0.0017%; no homozygotes.

Submissions (3):

All of Us Research Program, National Institutes of Health
Classification: Likely benign for Malignant hyperthermia, susceptibility to, 1. Last evaluated: 2023-10-02. Review status: criteria provided, single submitter. Criteria: ACMG Guidelines, 2015. Collection method: clinical testing. Allele origin: germline. Inheritance: Autosomal dominant inheritance. Observed: 2 variant alleles, 2 heterozygotes.
Comment: This study involves interpretation of variants in research participants for the purpose of population health screening. Participant phenotype was not available at the time of variant classification. Additional details can be found in publication PMID: 35346344, PMCID: PMC8962531

Labcorp Genetics (formerly Invitae), Labcorp
Classification: Likely benign for RYR1-related disorder. Last evaluated: 2023-06-09. Review status: criteria provided, single submitter. Criteria: Invitae Variant Classification Sherloc (09022015). Collection method: clinical testing. Allele origin: germline.

Color Diagnostics, LLC DBA Color Health
Classification: Likely benign for Malignant hyperthermia, susceptibility to, 1. Last evaluated: 2022-11-06. Review status: criteria provided, single submitter. Criteria: ACMG Guidelines, 2015. Collection method: clinical testing. Allele origin: germline.

NM_000540.3(RYR1):c.10161C>G (p.Ala3387=)

Gene: RYR1 (ryanodine receptor 1; plus strand). Cytogenetic location: 19q13.2.
Variant type: single nucleotide variant.
Coding change: c.10161C>G on transcript NM_000540.3 (MANE Select); coding-DNA position 10161, C replaced by G.
Protein change: p.Ala3387=; no amino-acid change (alanine 3387 retained).
Molecular consequence: synonymous variant.
Genome position (GRCh38, 1-based): chr19:38,519,356, C>G. VCF-style: chr19-38519356-C-G. GRCh37 (hg19) VCF-style: chr19-39009996-C-G.
Other names: c.10161C>G, p.Ala3387= (NM_001042723.2).
Identifiers: ClinVar variation 544489 (VCV000544489.10), dbSNP rs376909404, ClinGen allele CA052471.